The following is an entry in ClinVar:

ClinVar aggregate classification (germline): Uncertain significance. Review status: criteria provided, multiple submitters, no conflicts (2 of 4 stars). 3 submissions from 3 submitters: Uncertain significance (3). Last evaluated 2024-03-24.

Conditions:
Hereditary nonpolyposis colorectal neoplasms. Identifiers: MedGen C0009405, MeSH D003123.
Hereditary cancer-predisposing syndrome. Also called: Neoplastic Syndromes, Hereditary; Hereditary neoplastic syndrome; Tumor predisposition; Hereditary Cancer Syndrome. Identifiers: Orphanet 140162, MedGen C0027672, MeSH D009386, MONDO:0015356.
Lynch syndrome. Identifiers: Orphanet 144, MedGen C4552100, MONDO:0005835. Disease mechanism: loss of function.

Submissions (3):

All of Us Research Program, National Institutes of Health
Classification: Uncertain significance for Lynch syndrome. Last evaluated: 2024-03-24. Review status: criteria provided, single submitter. Criteria: ACMG Guidelines, 2015. Collection method: clinical testing. Allele origin: germline. Inheritance: Autosomal dominant inheritance. Observed: 1 variant allele, 1 heterozygote.
Comment: This missense variant replaces aspartic acid with histidine at codon 917 of the MSH6 protein. Computational prediction suggests that this variant may have deleterious impact on protein structure and function (internally defined REVEL score threshold >= 0.7, PMID: 27666373). To our knowledge, functional studies have not been reported for this variant. This variant has not been reported in individuals affected with MSH6-related disorders in the literature. This variant has not been identified in the general population by the Genome Aggregation Database (gnomAD). The available evidence is insufficient to determine the role of this variant in disease conclusively. Therefore, this variant is classified as a Variant of Uncertain Significance.

This study involves interpretation of variants in research participants for the purpose of population health screening. Participant phenotype was not available at the time of variant classification. Additional details can be found in publication PMID: 35346344, PMCID: PMC8962531

Ambry Genetics
Classification: Uncertain significance for Hereditary cancer-predisposing syndrome. Last evaluated: 2023-12-02. Review status: criteria provided, single submitter. Criteria: Ambry Variant Classification Scheme 2023. Collection method: clinical testing. Allele origin: germline.
Comment: The p.D917H variant (also known as c.2749G>C), located in coding exon 4 of the MSH6 gene, results from a G to C substitution at nucleotide position 2749. The aspartic acid at codon 917 is replaced by histidine, an amino acid with similar properties. This amino acid position is conserved. In addition, this alteration is predicted to be deleterious by in silico analysis. Since supporting evidence is limited at this time, the clinical significance of this alteration remains unclear.

Labcorp Genetics (formerly Invitae), Labcorp
Classification: Uncertain significance for Hereditary nonpolyposis colorectal neoplasms. Last evaluated: 2022-01-20. Review status: criteria provided, single submitter. Criteria: Invitae Variant Classification Sherloc (09022015). Collection method: clinical testing. Allele origin: germline.
Comment: This variant is not present in population databases (gnomAD no frequency). This sequence change replaces aspartic acid, which is acidic and polar, with histidine, which is basic and polar, at codon 917 of the MSH6 protein (p.Asp917His). This variant has not been reported in the literature in individuals affected with MSH6-related conditions. Advanced modeling of protein sequence and biophysical properties (such as structural, functional, and spatial information, amino acid conservation, physicochemical variation, residue mobility, and thermodynamic stability) performed at Invitae indicates that this missense variant is expected to disrupt MSH6 protein function. In summary, the available evidence is currently insufficient to determine the role of this variant in disease. Therefore, it has been classified as a Variant of Uncertain Significance.

NM_000179.3(MSH6):c.2749G>C (p.Asp917His)

Gene: MSH6 (mutS homolog 6; plus strand). Cytogenetic location: 2p16.3.
Variant type: single nucleotide variant.
Coding change: c.2749G>C on transcript NM_000179.3 (MANE Select); coding-DNA position 2749, G replaced by C.
Protein change: p.Asp917His; replaces aspartic acid 917 with histidine.
Molecular consequence: missense variant.
Genome position (GRCh38, 1-based): chr2:47,800,732, G>C. VCF-style: chr2-47800732-G-C. GRCh37 (hg19) VCF-style: chr2-48027871-G-C.
Other names: c.2749G>C (NM_000179.2); c.2359G>C, p.Asp787His (NM_001281492.2); c.1843G>C, p.Asp615His (NM_001281493.2, NM_001281494.2); short protein forms D787H, D917H, D615H.
Identifiers: ClinVar variation 1391935 (VCV001391935.10), dbSNP rs2104422257, ClinGen allele CA346755414.